The following is an entry in ClinVar:

ClinVar aggregate classification (germline): Uncertain significance (0 of 4 stars; one submission).

Conditions:
FBXW11-related disorder. Also called: FBXW11-related condition.

Submission:

PreventionGenetics, part of Exact Sciences
Classification: Uncertain significance for FBXW11-related condition. Last evaluated: 2024-02-11. Review status: no assertion criteria provided. Collection method: clinical testing. Allele origin: germline.
Comment: The FBXW11 c.593A>T variant is predicted to result in the amino acid substitution p.Asp198Val. To our knowledge, this variant has not been reported in the literature or in a large population database, indicating this variant is rare. At this time, the clinical significance of this variant is uncertain due to the absence of conclusive functional and genetic evidence.

NM_001378974.1(FBXW11):c.656A>T (p.Asp219Val)

Gene: FBXW11 (F-box and WD repeat domain containing 11; minus strand). Cytogenetic location: 5q35.1.
Variant type: single nucleotide variant.
Coding change: c.656A>T on transcript NM_001378974.1 (MANE Select); coding-DNA position 656, A replaced by T.
Protein change: p.Asp219Val; replaces aspartic acid 219 with valine.
Molecular consequence: missense variant.
Genome position (GRCh38, 1-based): chr5:171,899,062, T>A on the plus strand (A>T on the coding strand, the complement: FBXW11 is on the minus strand). VCF-style: chr5-171899062-T-A. GRCh37 (hg19) VCF-style: chr5-171326066-T-A.
Other names: c.587A>T, p.Asp196Val (NM_001378975.1); c.560A>T, p.Asp187Val (NM_001378976.1); c.497A>T, p.Asp166Val (NM_001378977.1, NM_001378978.1, NM_001378979.1); c.491A>T, p.Asp164Val (NM_001378980.1, NM_033645.3); c.593A>T, p.Asp198Val (NM_012300.3); c.554A>T, p.Asp185Val (NM_033644.3); short protein forms D164V, D166V, D185V, D187V, D196V, D198V, D219V.
Identifiers: ClinVar variation 3032855 (VCV003032855.2), dbSNP rs1294517861, ClinGen allele CA362210738.